The following is an entry in ClinVar:

ClinVar aggregate classification (germline): Uncertain significance. Review status: criteria provided, multiple submitters, no conflicts (2 of 4 stars). 2 submissions from 2 submitters: Uncertain significance (2). Last evaluated 2025-03-02.

Conditions:
Hypertrophic cardiomyopathy 1 (CMH1). Also called: Familial hypertrophic cardiomyopathy 1; MYH7-Related Familial Hypertrophic Cardiomyopathy. Identifiers: MedGen C3495498, MONDO:0008647, OMIM 192600.

Allele frequency attached by ClinVar (database versions not stated): gnomAD 0.00001; gnomAD exomes 0.00001; ExAC 0.00002.
gnomAD v4.1: 5 of 1,610,120 alleles (0.00031%); highest among the groups gnomAD compares: Non-Finnish European, 0.00042%; no homozygotes.

Submissions (2):

Ambry Genetics
Classification: Uncertain significance. Last evaluated: 2025-03-02. Review status: criteria provided, single submitter. Criteria: Ambry Variant Classification Scheme 2023. Collection method: clinical testing. Allele origin: germline.
Comment: The p.G135R variant (also known as c.403G>C), located in coding exon 2 of the MYLK2 gene, results from a G to C substitution at nucleotide position 403. The glycine at codon 135 is replaced by arginine, an amino acid with dissimilar properties. This amino acid position is conserved. In addition, this alteration is predicted to be tolerated by in silico analysis. Based on the available evidence, the clinical significance of this variant remains unclear.

Labcorp Genetics (formerly Invitae), Labcorp
Classification: Uncertain significance for Hypertrophic cardiomyopathy 1. Last evaluated: 2024-02-19. Review status: criteria provided, single submitter. Criteria: Invitae Variant Classification Sherloc (09022015). Collection method: clinical testing. Allele origin: germline.
Comment: This sequence change replaces glycine, which is neutral and non-polar, with arginine, which is basic and polar, at codon 135 of the MYLK2 protein (p.Gly135Arg). This variant is present in population databases (rs750838459, gnomAD 0.002%). This variant has not been reported in the literature in individuals affected with MYLK2-related conditions. ClinVar contains an entry for this variant (Variation ID: 2170553). Advanced modeling of protein sequence and biophysical properties (such as structural, functional, and spatial information, amino acid conservation, physicochemical variation, residue mobility, and thermodynamic stability) performed at Invitae indicates that this missense variant is not expected to disrupt MYLK2 protein function with a negative predictive value of 80%. In summary, the available evidence is currently insufficient to determine the role of this variant in disease. Therefore, it has been classified as a Variant of Uncertain Significance.

NM_033118.4(MYLK2):c.403G>C (p.Gly135Arg)

Gene: MYLK2 (myosin light chain kinase 2; plus strand). Cytogenetic location: 20q11.21.
Variant type: single nucleotide variant.
Coding change: c.403G>C on transcript NM_033118.4 (MANE Select); coding-DNA position 403, G replaced by C.
Protein change: p.Gly135Arg; replaces glycine 135 with arginine.
Molecular consequence: missense variant.
Genome position (GRCh38, 1-based): chr20:31,820,476, G>C. VCF-style: chr20-31820476-G-C. GRCh37 (hg19) VCF-style: chr20-30408279-G-C.
Other names: short protein forms G135R.
Identifiers: ClinVar variation 2170553 (VCV002170553.5), dbSNP rs750838459, ClinGen allele CA9802913.